The following is an entry in ClinVar:

NM_001145809.2(MYH14):c.5748G>A (p.Val1916=)

Gene: MYH14 (myosin heavy chain 14; plus strand). Cytogenetic location: 19q13.33.
Variant type: single nucleotide variant.
Coding change: c.5748G>A on transcript NM_001145809.2 (MANE Select); coding-DNA position 5748, G replaced by A.
Protein change: p.Val1916=; no amino-acid change (valine 1916 retained).
Molecular consequence: synonymous variant.
Genome position (GRCh38, 1-based): chr19:50,307,118, G>A. VCF-style: chr19-50307118-G-A. GRCh37 (hg19) VCF-style: chr19-50810375-G-A.
Other names: p.Val1875=; c.5649G>A, p.Val1883= (NM_001077186.2); c.5625G>A, p.Val1875= (NM_024729.4).
Identifiers: ClinVar variation 4684396 (VCV004684396.2).

ClinVar aggregate classification (germline): Conflicting classifications of pathogenicity. Review status: criteria provided, conflicting classifications (1 of 4 stars). 2 submissions from 2 submitters: Uncertain significance (1); Likely benign (1). Last evaluated 2025-12-07.

gnomAD v4.1: 9 of 1,550,374 alleles (0.00058%); highest among the groups gnomAD compares: Admixed American, 0.014%; no homozygotes.

Submissions (2):

Mayo Clinic Laboratories, Mayo Clinic
Classification: Likely benign. Last evaluated: 2025-12-07. Review status: criteria provided, single submitter. Criteria: ACMG Guidelines, 2015. Collection method: clinical testing. Allele origin: germline. Observed: 1 variant allele.
Comment: BP4, BP7

Blueprint Genetics
Classification: Uncertain significance. Last evaluated: 2017-12-29. Review status: criteria provided, single submitter. Criteria: ACMG Guidelines, 2015. Collection method: clinical testing. Allele origin: germline.